The following is an entry in ClinVar:

ClinVar aggregate classification (germline): Likely benign. Review status: criteria provided, multiple submitters, no conflicts (2 of 4 stars). 4 submissions from 4 submitters: Likely benign (3). 1 of the submissions does not count toward it. Last evaluated 2026-06-01.

Conditions:
Usher syndrome type 1 (USH1). Also called: RETINITIS PIGMENTOSA AND CONGENITAL DEAFNESS. Identifiers: Orphanet 231169, Orphanet 886, MedGen C1568247, MONDO:0010168, OMIM 276900.

Allele frequency attached by ClinVar (database versions not stated): gnomAD exomes 0.00001 and 0.00002; TOPMed 0.00003; ExAC 0.00004; gnomAD 0.00005 and 0.00006; ESP Exome Variant Server 0.00008.
gnomAD v4.1: 39 of 1,575,824 alleles (0.0025%); highest among the groups gnomAD compares: Non-Finnish European, 0.003%; no homozygotes.

Submissions (4):

CeGaT Center for Human Genetics Tuebingen
Classification: Likely benign. Last evaluated: 2026-06-01. Review status: criteria provided, single submitter. Criteria: CeGaT Center For Human Genetics Tuebingen Variant Classification Criteria Version 2. Collection method: clinical testing. Allele origin: germline. Affected: yes. Observed: 1 variant allele.
Comment: CDH23: BP4, BP7

Labcorp Genetics (formerly Invitae), Labcorp
Classification: Likely benign. Last evaluated: 2026-01-27. Review status: criteria provided, single submitter. Criteria: Invitae Variant Classification Sherloc (09022015). Collection method: clinical testing. Allele origin: germline.

Blueprint Genetics
Classification: Likely benign. Last evaluated: 2021-12-09. Review status: criteria provided, single submitter. Criteria: ACMG Guidelines, 2015. Collection method: clinical testing. Allele origin: germline.

Natera, Inc.
Classification: Uncertain significance for Usher syndrome type 1. Last evaluated: 2020-04-15. Review status: no assertion criteria provided. Collection method: clinical testing. Allele origin: germline. Not counted in ClinVar's aggregate classification.

NM_022124.6(CDH23):c.42T>C (p.Leu14=)

Gene: CDH23 (cadherin related 23; plus strand). Cytogenetic location: 10q22.1.
Variant type: single nucleotide variant.
Coding change: c.42T>C on transcript NM_022124.6 (MANE Select); coding-DNA position 42, T replaced by C.
Protein change: p.Leu14=; no amino-acid change (leucine 14 retained).
Molecular consequence: synonymous variant.
Genome position (GRCh38, 1-based): chr10:71,439,873, T>C. VCF-style: chr10-71439873-T-C. GRCh37 (hg19) VCF-style: chr10-73199630-T-C.
Other names: c.42T>C, p.Leu14= (NM_001171930.2, NM_001171931.2, NM_001171932.2 and 1 more transcripts).
Identifiers: ClinVar variation 990897 (VCV000990897.12), dbSNP rs371440350, ClinGen allele CA5543266.